The following is an entry in ClinVar:

NM_001018115.3(FANCD2):c.1547G>T (p.Gly516Val)

Genes: FANCD2 (FA complementation group D2; plus strand), LOC107303338 (3p25 FANCD2 Alu-mediated recombination region; plus strand). Cytogenetic location: 3p25.3.
Variant type: single nucleotide variant.
Coding change: c.1547G>T on transcript NM_001018115.3 (MANE Select); coding-DNA position 1547, G replaced by T.
Protein change: p.Gly516Val; replaces glycine 516 with valine.
Molecular consequence: missense variant. On other transcripts: intron variant (1).
Genome position (GRCh38, 1-based): chr3:10,052,388, G>T. VCF-style: chr3-10052388-G-T. GRCh37 (hg19) VCF-style: chr3-10094072-G-T.
Other names: c.1547G>T, p.Gly516Val (NM_001319984.2, NM_001374254.1, NM_033084.6); c.1545+2883G>T (NM_001374253.1); short protein forms G516V.
Identifiers: ClinVar variation 2149187 (VCV002149187.4), dbSNP rs2087243740, ClinGen allele CA351739657.
Genomic context (GRCh38, chr3:10,052,388, plus strand): 5'-GAATTTTAAGGGAAAAATGTTAGCTGCTAGCCTCATTGTTGGCATCATTTTTTCCACAGG[G>T]CATTTTAGATTATCTGGATAACATATCCCCTCAGCAAATACGAAAACTCTTCTATGTTCT-3'
Protein context (NP_001018125.1, residues 506-526): AMMMNAVFVK[Gly516Val]ILDYLDNISP

ClinVar aggregate classification (germline): Uncertain significance (1 of 4 stars; one submission).

Conditions:
Fanconi anemia (FA). Also called: Fanconi's anemia. Identifiers: Orphanet 84, MedGen C0015625, MeSH D005199, MONDO:0019391.

gnomAD v4.1: 1 of 1,592,380 alleles (0.000063%); highest among the groups gnomAD compares: Non-Finnish European, 0.000086%; no homozygotes.

Submission:

Labcorp Genetics (formerly Invitae), Labcorp
Classification: Uncertain significance for Fanconi anemia. Last evaluated: 2023-02-09. Review status: criteria provided, single submitter. Criteria: Invitae Variant Classification Sherloc (09022015). Collection method: clinical testing. Allele origin: germline.
Comment: In summary, the available evidence is currently insufficient to determine the role of this variant in disease. Therefore, it has been classified as a Variant of Uncertain Significance. Algorithms developed to predict the effect of missense changes on protein structure and function are either unavailable or do not agree on the potential impact of this missense change (SIFT: "Tolerated"; PolyPhen-2: "Possibly Damaging"; Align-GVGD: "Class C0"). This variant has not been reported in the literature in individuals affected with FANCD2-related conditions. This variant is not present in population databases (gnomAD no frequency). This sequence change replaces glycine, which is neutral and non-polar, with valine, which is neutral and non-polar, at codon 516 of the FANCD2 protein (p.Gly516Val).